The following is an entry in ClinVar:

ClinVar aggregate classification (germline): Uncertain significance (1 of 4 stars; one submission).

Conditions:
Mitochondrial DNA depletion syndrome 9 (MTDPS9). Also called: SUCLG1-Related Mitochondrial DNA Depletion Syndrome, Encephalomyopathic Form with Methylmalonic Aciduria. Identifiers: Orphanet 17, MedGen C3151476, MONDO:0009504, OMIM 245400.

Allele frequency attached by ClinVar (database versions not stated): gnomAD exomes below 0.00001; TOPMed below 0.00001.
gnomAD v4.1: 6 of 1,614,124 alleles (0.00037%); highest among the groups gnomAD compares: Non-Finnish European, 0.00042%; no homozygotes.

Submission:

Labcorp Genetics (formerly Invitae), Labcorp
Classification: Uncertain significance for Mitochondrial DNA depletion syndrome 9. Last evaluated: 2023-06-16. Review status: criteria provided, single submitter. Criteria: Invitae Variant Classification Sherloc (09022015). Collection method: clinical testing. Allele origin: germline.
Comment: This sequence change replaces glycine, which is neutral and non-polar, with alanine, which is neutral and non-polar, at codon 309 of the SUCLG1 protein (p.Gly309Ala). This variant is present in population databases (no rsID available, gnomAD 0.0009%). This variant has not been reported in the literature in individuals affected with SUCLG1-related conditions. Advanced modeling of protein sequence and biophysical properties (such as structural, functional, and spatial information, amino acid conservation, physicochemical variation, residue mobility, and thermodynamic stability) has been performed at Invitae for this missense variant, however the output from this modeling did not meet the statistical confidence thresholds required to predict the impact of this variant on SUCLG1 protein function. In summary, the available evidence is currently insufficient to determine the role of this variant in disease. Therefore, it has been classified as a Variant of Uncertain Significance.

NM_003849.4(SUCLG1):c.926G>C (p.Gly309Ala)

Gene: SUCLG1 (succinate-CoA ligase GDP/ADP-forming subunit alpha; minus strand). Cytogenetic location: 2p11.2.
Variant type: single nucleotide variant.
Coding change: c.926G>C on transcript NM_003849.4 (MANE Select); coding-DNA position 926, G replaced by C.
Protein change: p.Gly309Ala; replaces glycine 309 with alanine.
Molecular consequence: missense variant.
Genome position (GRCh38, 1-based): chr2:84,425,503, C>G on the plus strand (G>C on the coding strand, the complement: SUCLG1 is on the minus strand). VCF-style: chr2-84425503-C-G. GRCh37 (hg19) VCF-style: chr2-84652627-C-G.
Other names: short protein forms G309A.
Identifiers: ClinVar variation 2721390 (VCV002721390.2), dbSNP rs1259678864, ClinGen allele CA347514658.
Genomic context (GRCh38, chr2:84,425,503, plus strand): 5'-GGAGACATACTGACCACAACTCCTGCACTCTGAAGGGCAGAGATCTTCTCTTTAGCTCCA[C>G]CTTTTCCTCCAGCAATAATTGCCCCGGCATGACCCATTCTTCTCCCAGGAGGAGCAGTTA-3'
Protein context (NP_003840.2, residues 299-319): HAGAIIAGGK[Gly309Ala]GAKEKISALQ